The following is an entry in ClinVar:

NM_000245.4(MET):c.2254T>A (p.Ser752Thr)

Gene: MET (MET proto-oncogene, receptor tyrosine kinase; plus strand). Cytogenetic location: 7q31.2.
Variant type: single nucleotide variant.
Coding change: c.2254T>A on transcript NM_000245.4 (MANE Select); coding-DNA position 2254, T replaced by A.
Protein change: p.Ser752Thr; replaces serine 752 with threonine.
Molecular consequence: missense variant.
Genome position (GRCh38, 1-based): chr7:116,758,610, T>A. VCF-style: chr7-116758610-T-A. GRCh37 (hg19) VCF-style: chr7-116398664-T-A.
Other names: c.2254T>A, p.Ser752Thr (NM_001127500.3, NM_001324401.3); c.964T>A, p.Ser322Thr (NM_001324402.2); short protein forms S322T, S752T.
Identifiers: ClinVar variation 2447324 (VCV002447324.2), dbSNP rs2116932750, ClinGen allele CA368980883.

ClinVar aggregate classification (germline): Uncertain significance (1 of 4 stars; one submission).

Conditions:
Hereditary cancer-predisposing syndrome. Also called: Neoplastic Syndromes, Hereditary; Hereditary Cancer Syndrome; Tumor predisposition; Hereditary neoplastic syndrome. Identifiers: Orphanet 140162, MedGen C0027672, MeSH D009386, MONDO:0015356.

Submission:

Ambry Genetics
Classification: Uncertain significance for Hereditary cancer-predisposing syndrome. Last evaluated: 2022-12-25. Review status: criteria provided, single submitter. Criteria: Ambry Variant Classification Scheme 2023. Collection method: clinical testing. Allele origin: germline.
Comment: The p.S752T variant (also known as c.2254T>A), located in coding exon 8 of the MET gene, results from a T to A substitution at nucleotide position 2254. The serine at codon 752 is replaced by threonine, an amino acid with similar properties. This amino acid position is conserved. In addition, the in silico prediction for this alteration is inconclusive. Since supporting evidence is limited at this time, the clinical significance of this alteration remains unclear.